The following is an entry in ClinVar:

NM_006767.4(LZTR1):c.1982G>A (p.Gly661Glu)

Gene: LZTR1 (leucine zipper like post translational regulator 1; plus strand). Cytogenetic location: 22q11.21.
Variant type: single nucleotide variant.
Coding change: c.1982G>A on transcript NM_006767.4 (MANE Select); coding-DNA position 1982, G replaced by A.
Protein change: p.Gly661Glu; replaces glycine 661 with glutamic acid.
Molecular consequence: missense variant.
Genome position (GRCh38, 1-based): chr22:20,995,785, G>A. VCF-style: chr22-20995785-G-A. GRCh37 (hg19) VCF-style: chr22-21350074-G-A.
Other names: short protein forms G661E.
Identifiers: ClinVar variation 448963 (VCV000448963.16), dbSNP rs750582696, ClinGen allele CA10119184.

ClinVar aggregate classification (germline): Uncertain significance. Review status: criteria provided, multiple submitters, no conflicts (2 of 4 stars). 6 submissions from 6 submitters: Uncertain significance (6). Last evaluated 2025-11-24.

Conditions:
Hereditary cancer-predisposing syndrome. Also called: Neoplastic Syndromes, Hereditary; Hereditary Cancer Syndrome; Hereditary neoplastic syndrome; Tumor predisposition. Identifiers: Orphanet 140162, MedGen C0027672, MeSH D009386, MONDO:0015356.
Cardiovascular phenotype. Identifiers: MedGen CN230736.
LZTR1-related schwannomatosis. Also called: Schwannomatosis 2; Schwannomatosis-2, susceptibility to. Identifiers: Orphanet 93921, MedGen C3810283, MONDO:0014299, OMIM 615670.
Noonan syndrome 10 (NS10). Identifiers: Orphanet 648, MedGen C4225280, MONDO:0014693, OMIM 616564.

Allele frequency attached by ClinVar (database versions not stated): ExAC 0.00001; gnomAD 0.00001; TOPMed 0.00001; gnomAD exomes 0.00002.
gnomAD v4.1: 27 of 1,613,492 alleles (0.0017%); highest among the groups gnomAD compares: Non-Finnish European, 0.0019%; no homozygotes.

Submissions (6):

Labcorp Genetics (formerly Invitae), Labcorp
Classification: Uncertain significance. Last evaluated: 2025-11-24. Review status: criteria provided, single submitter. Criteria: Invitae Variant Classification Sherloc (09022015). Collection method: clinical testing. Allele origin: germline.
Comment: This sequence change replaces glycine, which is neutral and non-polar, with glutamic acid, which is acidic and polar, at codon 661 of the LZTR1 protein (p.Gly661Glu). The frequency data for this variant in the population databases is considered unreliable, as metrics indicate poor data quality at this position in the gnomAD database. This variant has not been reported in the literature in individuals affected with LZTR1-related conditions. ClinVar contains an entry for this variant (Variation ID: 448963). Invitae Evidence Modeling of protein sequence and biophysical properties (such as structural, functional, and spatial information, amino acid conservation, physicochemical variation, residue mobility, and thermodynamic stability) indicates that this missense variant is not expected to disrupt LZTR1 protein function with a negative predictive value of 80%. In summary, the available evidence is currently insufficient to determine the role of this variant in disease. Therefore, it has been classified as a Variant of Uncertain Significance.

Ambry Genetics
Classification: Uncertain significance for Cardiovascular phenotype; Hereditary cancer-predisposing syndrome. Last evaluated: 2025-10-15. Review status: criteria provided, single submitter. Criteria: Ambry Variant Classification Scheme 2023. Collection method: clinical testing. Allele origin: germline.
Comment: The p.G661E variant (also known as c.1982G>A), located in coding exon 17 of the LZTR1 gene, results from a G to A substitution at nucleotide position 1982. The glycine at codon 661 is replaced by glutamic acid, an amino acid with similar properties. This amino acid position is highly conserved in available vertebrate species. In addition, the in silico prediction for this alteration is inconclusive. Since supporting evidence is limited at this time, the clinical significance of this alteration remains unclear.

Blueprint Genetics
Classification: Uncertain significance. Last evaluated: 2024-11-28. Review status: criteria provided, single submitter. Criteria: ACMG Guidelines, 2015. Collection method: clinical testing. Allele origin: germline.

Women's Health and Genetics/Laboratory Corporation of America, LabCorp
Classification: Uncertain significance. Last evaluated: 2024-06-06. Review status: criteria provided, single submitter. Criteria: LabCorp Variant Classification Summary - May 2015. Collection method: clinical testing. Allele origin: germline.
Comment: Variant summary: LZTR1 c.1982G>A (p.Gly661Glu) results in a non-conservative amino acid change in the encoded protein sequence. Three of five in-silico tools predict a benign effect of the variant on protein function. The variant allele was found at a frequency of 1.7e-05 in 1613492 control chromosomes. This frequency is not significantly higher than estimated for a pathogenic variant in LZTR1 causing autosomal recessive Noonan Syndrome 2 (1.7e-05 vs 0.0032), allowing no conclusion about variant significance for LZTR1-related conditions. To our knowledge, no occurrence of c.1982G>A in individuals affected with LZTR1-related conditions and no experimental evidence demonstrating its impact on protein function have been reported. ClinVar contains an entry for this variant (Variation ID: 448963). Based on the evidence outlined above, the variant was classified as uncertain significance.

Baylor Genetics
Classification: Uncertain significance for LZTR1-related schwannomatosis. Last evaluated: 2024-01-27. Review status: criteria provided, single submitter. Criteria: ACMG Guidelines, 2015. Collection method: clinical testing. Allele origin: unknown.

MVZ Martinsried, Medicover Genetics
Classification: Uncertain significance for Noonan syndrome 10. Last evaluated: 2017-04-11. Review status: criteria provided, single submitter. Criteria: ACMG Guidelines, 2015. Collection method: clinical testing. Allele origin: maternal. Affected: yes.